The following is an entry in ClinVar:

NM_006231.4(POLE):c.187C>G (p.Leu63Val)

Gene: POLE (DNA polymerase epsilon, catalytic subunit; minus strand). Cytogenetic location: 12q24.33.
Variant type: single nucleotide variant.
Coding change: c.187C>G on transcript NM_006231.4 (MANE Select); coding-DNA position 187, C replaced by G.
Protein change: p.Leu63Val; replaces leucine 63 with valine.
Molecular consequence: missense variant.
Genome position (GRCh38, 1-based): chr12:132,681,155, G>C on the plus strand (C>G on the coding strand, the complement: POLE is on the minus strand). VCF-style: chr12-132681155-G-C. GRCh37 (hg19) VCF-style: chr12-133257741-G-C.
Other names: short protein forms L63V.
Identifiers: ClinVar variation 4672298 (VCV004672298.2).

ClinVar aggregate classification (germline): Uncertain significance. Review status: criteria provided, multiple submitters, no conflicts (2 of 4 stars). 2 submissions from 2 submitters: Uncertain significance (2). Last evaluated 2025-11-07.

Conditions:
Hereditary cancer-predisposing syndrome. Also called: Neoplastic Syndromes, Hereditary; Tumor predisposition; Hereditary Cancer Syndrome; Hereditary neoplastic syndrome. Identifiers: Orphanet 140162, MedGen C0027672, MeSH D009386, MONDO:0015356.
Colorectal cancer, susceptibility to, 12 (CRCS12). Also called: COLORECTAL CANCER, SUSCEPTIBILITY TO, ON CHROMOSOME 12q24. Identifiers: Orphanet 220460, MedGen C3554460, MONDO:0014038, OMIM 615083.

gnomAD v4.1: 1 of 1,614,100 alleles (0.000062%); highest among the groups gnomAD compares: Non-Finnish European, 0.000085%; no homozygotes.

Submissions (2):

Ambry Genetics
Classification: Uncertain significance for Hereditary cancer-predisposing syndrome. Last evaluated: 2025-11-07. Review status: criteria provided, single submitter. Criteria: Ambry Variant Classification Scheme 2023. Collection method: clinical testing. Allele origin: germline.
Comment: The p.L63V variant (also known as c.187C>G), located in coding exon 2 of the POLE gene, results from a C to G substitution at nucleotide position 187. The leucine at codon 63 is replaced by valine, an amino acid with highly similar properties. This amino acid position is conserved. In addition, this alteration is predicted to be tolerated by in silico analysis. Based on the available evidence, the clinical significance of this variant remains unclear.

Institute for Genomic Medicine (IGM) Clinical Laboratory, Nationwide Children's Hospital
Classification: Uncertain significance for Colorectal cancer, susceptibility to, 12. Last evaluated: 2024-12-20. Review status: criteria provided, single submitter. Criteria: ACMG Guidelines, 2015. Collection method: clinical testing. Allele origin: germline.
Comment: This variant is absent from or present at an exceedingly low frequency in gnomAD, a large-scale control population database (ACMG/AMP: PM2). This variant is predicted to be tolerated by multiple in silico tools (ACMG/AMP: BP4).